The following is an entry in ClinVar:

NM_004612.4(TGFBR1):c.976A>G (p.Lys326Glu)

Gene: TGFBR1 (transforming growth factor beta receptor 1; plus strand). Cytogenetic location: 9q22.33.
Variant type: single nucleotide variant.
Coding change: c.976A>G on transcript NM_004612.4 (MANE Select); coding-DNA position 976, A replaced by G.
Protein change: p.Lys326Glu; replaces lysine 326 with glutamic acid.
Molecular consequence: missense variant.
Genome position (GRCh38, 1-based): chr9:99,144,734, A>G. VCF-style: chr9-99144734-A-G. GRCh37 (hg19) VCF-style: chr9-101907016-A-G.
Other names: c.745A>G, p.Lys249Glu (NM_001130916.3); c.988A>G, p.Lys330Glu (NM_001306210.2); short protein forms K249E, K326E, K330E.
Identifiers: ClinVar variation 1314236 (VCV001314236.5), dbSNP rs2118803615, ClinGen allele CA374231192.

ClinVar aggregate classification (germline): Likely pathogenic (1 of 4 stars; one submission).

Submission:

GeneDx
Classification: Likely pathogenic. Last evaluated: 2025-12-08. Review status: criteria provided, single submitter. Criteria: GeneDx Variant Classification Process June 2021. Collection method: clinical testing. Allele origin: germline. Affected: yes.
Comment: In silico analysis supports that this missense variant has a deleterious effect on protein structure/function; Not observed at significant frequency in large population cohorts (gnomAD); Has not been previously published as pathogenic or benign to our knowledge